The following is an entry in ClinVar:

NM_001853.4(COL9A3):c.1969G>A (p.Gly657Arg)

Gene: COL9A3 (collagen type IX alpha 3 chain; plus strand). Cytogenetic location: 20q13.33.
Variant type: single nucleotide variant.
Coding change: c.1969G>A on transcript NM_001853.4 (MANE Select); coding-DNA position 1969, G replaced by A.
Protein change: p.Gly657Arg; replaces glycine 657 with arginine.
Molecular consequence: missense variant.
Genome position (GRCh38, 1-based): chr20:62,840,646, G>A. VCF-style: chr20-62840646-G-A. GRCh37 (hg19) VCF-style: chr20-61471998-G-A.
Other names: short protein forms G657R.
Identifiers: ClinVar variation 1364359 (VCV001364359.8), dbSNP rs2147235827, ClinGen allele CA409601644.

ClinVar aggregate classification (germline): Uncertain significance (1 of 4 stars; one submission).

Submission:

Labcorp Genetics (formerly Invitae), Labcorp
Classification: Uncertain significance. Last evaluated: 2021-06-28. Review status: criteria provided, single submitter. Criteria: Invitae Variant Classification Sherloc (09022015). Collection method: clinical testing. Allele origin: germline.
Comment: This variant has not been reported in the literature in individuals with COL9A3-related conditions. In summary, the available evidence is currently insufficient to determine the role of this variant in disease. Therefore, it has been classified as a Variant of Uncertain Significance. Advanced modeling of protein sequence and biophysical properties (such as structural, functional, and spatial information, amino acid conservation, physicochemical variation, residue mobility, and thermodynamic stability) performed at Invitae indicates that this missense variant is expected to disrupt COL9A3 protein function. This variant is not present in population databases (ExAC no frequency). This sequence change replaces glycine with arginine at codon 657 of the COL9A3 protein (p.Gly657Arg). The glycine residue is highly conserved and there is a moderate physicochemical difference between glycine and arginine.